The following is an entry in ClinVar:

ClinVar aggregate classification (germline): Uncertain significance (1 of 4 stars; one submission).

Conditions:
Hereditary cancer-predisposing syndrome. Also called: Neoplastic Syndromes, Hereditary; Tumor predisposition; Hereditary Cancer Syndrome; Hereditary neoplastic syndrome. Identifiers: Orphanet 140162, MedGen C0027672, MeSH D009386, MONDO:0015356.

Submission:

Ambry Genetics
Classification: Uncertain significance for Hereditary cancer-predisposing syndrome. Last evaluated: 2022-08-07. Review status: criteria provided, single submitter. Criteria: Ambry Variant Classification Scheme 2023. Collection method: clinical testing. Allele origin: germline.
Comment: The p.Q968P variant (also known as c.2903A>C), located in coding exon 21 of the KIT gene, results from an A to C substitution at nucleotide position 2903. The glutamine at codon 968 is replaced by proline, an amino acid with similar properties. This amino acid position is conserved. In addition, the in silico prediction for this alteration is inconclusive. Since supporting evidence is limited at this time, the clinical significance of this alteration remains unclear.

NM_000222.3(KIT):c.2903A>C (p.Gln968Pro)

Gene: KIT (KIT proto-oncogene, receptor tyrosine kinase; plus strand). Cytogenetic location: 4q12.
Variant type: single nucleotide variant.
Coding change: c.2903A>C on transcript NM_000222.3 (MANE Select); coding-DNA position 2903, A replaced by C.
Protein change: p.Gln968Pro; replaces glutamine 968 with proline.
Molecular consequence: missense variant.
Genome position (GRCh38, 1-based): chr4:54,738,529, A>C. VCF-style: chr4-54738529-A-C. GRCh37 (hg19) VCF-style: chr4-55604695-A-C.
Other names: c.2891A>C, p.Gln964Pro (NM_001093772.2, NM_001385292.1); c.2906A>C, p.Gln969Pro (NM_001385284.1); c.2900A>C, p.Gln967Pro (NM_001385285.1); c.2888A>C, p.Gln963Pro (NM_001385286.1); c.2894A>C, p.Gln965Pro (NM_001385288.1); c.2903A>C, p.Gln968Pro (NM_001385290.1); short protein forms Q964P, Q967P, Q963P, Q965P, Q968P, Q969P.
Identifiers: ClinVar variation 1797478 (VCV001797478.2), dbSNP rs2109819328, ClinGen allele CA356916517.